The following is an entry in ClinVar:

NM_001080442.3(SLC38A8):c.562del (p.Ala188fs)

Gene: SLC38A8 (solute carrier family 38 member 8; minus strand). Cytogenetic location: 16q23.3.
Variant type: Deletion.
Coding change: c.562del on transcript NM_001080442.3 (MANE Select); coding-DNA position 562, one base deleted (G; older notation c.562delG).
Protein change: p.Ala188fs; shifts the reading frame from alanine 188.
Molecular consequence: frameshift variant.
Genome position (GRCh38, 1-based): chr16:84,031,937, C deleted on the plus strand (G on the coding strand, the reverse complement: SLC38A8 is on the minus strand); the first of 2 consecutive C bases (chr16:84,031,937-84,031,938); deleting either gives the same sequence. VCF-style (leftmost placement, unchanged base first): chr16-84031936-GC-G. GRCh37 (hg19) VCF-style: chr16-84065541-GC-G.
Other names: short protein forms A188fs.
Identifiers: ClinVar variation 2795197 (VCV002795197.3), dbSNP rs2507654719, ClinGen allele CA2634582731.

ClinVar aggregate classification (germline): Pathogenic (1 of 4 stars; one submission).

Submission:

Labcorp Genetics (formerly Invitae), Labcorp
Classification: Pathogenic. Last evaluated: 2023-08-16. Review status: criteria provided, single submitter. Criteria: Invitae Variant Classification Sherloc (09022015). Collection method: clinical testing. Allele origin: germline.
Comment: Algorithms developed to predict the effect of sequence changes on RNA splicing suggest that this variant may disrupt the consensus splice site. For these reasons, this variant has been classified as Pathogenic. This variant has not been reported in the literature in individuals affected with SLC38A8-related conditions. This variant is not present in population databases (gnomAD no frequency). This sequence change creates a premature translational stop signal (p.Ala188Profs*23) in the SLC38A8 gene. It is expected to result in an absent or disrupted protein product. Loss-of-function variants in SLC38A8 are known to be pathogenic (PMID: 24290379).

Literature cited by the submitters: PubMed 24290379.